The following is an entry in ClinVar:

NM_000152.5(GAA):c.2800-1G>A

Gene: GAA (alpha glucosidase; plus strand). Cytogenetic location: 17q25.3.
Variant type: single nucleotide variant.
Coding change: c.2800-1G>A on transcript NM_000152.5 (MANE Select); the canonical splice acceptor site of the intron before coding-DNA position 2800, G replaced by A.
Molecular consequence: splice acceptor variant.
Genome position (GRCh38, 1-based): chr17:80,119,271, G>A. VCF-style: chr17-80119271-G-A. GRCh37 (hg19) VCF-style: chr17-78093070-G-A.
Other names: c.2800-1G>A (NM_001406741.1, NM_001406742.1, NM_001079803.3 and 1 more transcripts).
Identifiers: ClinVar variation 1980395 (VCV001980395.5), dbSNP rs1328159128, ClinGen allele CA401327621.

ClinVar aggregate classification (germline): Conflicting classifications of pathogenicity. Review status: criteria provided, conflicting classifications (1 of 4 stars). 2 submissions from 2 submitters: Likely pathogenic (1); Uncertain significance (1). Last evaluated 2025-09-17.

Conditions:
Glycogen storage disease, type II (IOPD). Also called: POMPE DISEASE, INFANTILE-ONSET; GLYCOGEN STORAGE DISEASE II, INFANTILE-ONSET; ACID ALPHA-GLUCOSIDASE DEFICIENCY, INFANTILE-ONSET; GAA DEFICIENCY, INFANTILE-ONSET; ACID MALTASE DEFICIENCY, INFANTILE-ONSET; Glucosidase acid-1,4-alpha deficiency. Identifiers: Orphanet 365, MedGen C0017921, MONDO:0009290, OMIM 232300.

gnomAD v4.1: 1 of 1,614,008 alleles (0.000062%); highest among the groups gnomAD compares: Non-Finnish European, 0.000085%; no homozygotes.

Submissions (2):

Clinical Genetics Laboratory, Skane University Hospital Lund
Classification: Likely pathogenic for Glycogen storage disease, type II. Last evaluated: 2025-09-17. Review status: criteria provided, single submitter. Criteria: ACMG Guidelines, 2015. Collection method: clinical testing. Allele origin: germline. Inheritance: Autosomal recessive inheritance. Affected: yes.
Comment: ACMG criteria used: PVS1_Moderate, PM2, PM3_Supporting, PP4

Labcorp Genetics (formerly Invitae), Labcorp
Classification: Uncertain significance for Glycogen storage disease, type II. Last evaluated: 2022-01-11. Review status: criteria provided, single submitter. Criteria: Invitae Variant Classification Sherloc (09022015). Collection method: clinical testing. Allele origin: germline.
Comment: In summary, the available evidence is currently insufficient to determine the role of this variant in disease. Therefore, it has been classified as a Variant of Uncertain Significance. Variants that disrupt the consensus splice site are a relatively common cause of aberrant splicing (PMID: 17576681, 9536098). Algorithms developed to predict the effect of sequence changes on RNA splicing suggest that this variant may disrupt the consensus splice site. Disruption of this splice site has been observed in individual(s) with Pompe disease (PMID: 29422078, 31342611). This variant is present in population databases (no rsID available, gnomAD 0.0009%). This sequence change affects an acceptor splice site in intron 19 of the GAA gene. While this variant is not anticipated to result in nonsense mediated decay, it likely alters RNA splicing and results in a disrupted protein product.

Literature cited by the submitters: PubMed 17576681 (cited by Labcorp Genetics (formerly Invitae), Labcorp); PubMed 9536098 (cited by Labcorp Genetics (formerly Invitae), Labcorp); PubMed 29422078 (cited by Labcorp Genetics (formerly Invitae), Labcorp); PubMed 31342611 (cited by Labcorp Genetics (formerly Invitae), Labcorp).